The following is an entry in ClinVar:

ClinVar aggregate classification (germline): Uncertain significance. Review status: criteria provided, multiple submitters, no conflicts (2 of 4 stars). 2 submissions from 2 submitters: Uncertain significance (2). Last evaluated 2024-04-01.

Conditions:
Lethal congenital glycogen storage disease of heart. Also called: GLYCOGEN STORAGE DISEASE OF HEART; PHOSPHORYLASE KINASE DEFICIENCY OF HEART. Identifiers: Orphanet 439854, MedGen C1849813, MONDO:0009867, OMIM 261740.

Submissions (2):

Labcorp Genetics (formerly Invitae), Labcorp
Classification: Uncertain significance for Lethal congenital glycogen storage disease of heart. Last evaluated: 2024-04-01. Review status: criteria provided, single submitter. Criteria: Invitae Variant Classification Sherloc (09022015). Collection method: clinical testing. Allele origin: germline.
Comment: This sequence change falls in intron 8 of the PRKAG2 gene. It does not directly change the encoded amino acid sequence of the PRKAG2 protein. It affects a nucleotide within the consensus splice site. This variant is not present in population databases (gnomAD no frequency). This variant has not been reported in the literature in individuals affected with PRKAG2-related conditions. ClinVar contains an entry for this variant (Variation ID: 533884). Variants that disrupt the consensus splice site are a relatively common cause of aberrant splicing (PMID: 17576681, 9536098). Algorithms developed to predict the effect of sequence changes on RNA splicing suggest that this variant may disrupt the consensus splice site. In summary, the available evidence is currently insufficient to determine the role of this variant in disease. Therefore, it has been classified as a Variant of Uncertain Significance.

Mayo Clinic Laboratories, Mayo Clinic
Classification: Uncertain significance. Last evaluated: 2023-06-21. Review status: criteria provided, single submitter. Criteria: ACMG Guidelines, 2015. Collection method: clinical testing. Allele origin: germline. Observed: 1 variant allele.
Comment: PM2

Literature cited by the submitters: PubMed 17576681 (cited by Labcorp Genetics (formerly Invitae), Labcorp); PubMed 9536098 (cited by Labcorp Genetics (formerly Invitae), Labcorp).

NM_016203.4(PRKAG2):c.1005+6T>C

Gene: PRKAG2 (protein kinase AMP-activated non-catalytic subunit gamma 2; minus strand). Cytogenetic location: 7q36.1.
Variant type: single nucleotide variant.
Coding change: c.1005+6T>C on transcript NM_016203.4 (MANE Select); 6 bases into the intron after coding-DNA position 1005, T replaced by C.
Molecular consequence: intron variant.
Genome position (GRCh38, 1-based): chr7:151,574,885, A>G on the plus strand (T>C on the coding strand, the complement: PRKAG2 is on the minus strand). VCF-style: chr7-151574885-A-G. GRCh37 (hg19) VCF-style: chr7-151271971-A-G.
Other names: p.?; c.873+6T>C (NM_001040633.2); c.630+6T>C (NM_001304527.2); c.633+6T>C (NM_001363698.2); c.282+6T>C (NM_001304531.2, NM_024429.2).
Identifiers: ClinVar variation 533884 (VCV000533884.8), dbSNP rs1554464077, ClinGen allele CA658797057.